The following is an entry in ClinVar:

NM_000051.4(ATM):c.3307G>A (p.Asp1103Asn)

Gene: ATM (ATM serine/threonine kinase; plus strand). Cytogenetic location: 11q22.3.
Variant type: single nucleotide variant.
Coding change: c.3307G>A on transcript NM_000051.4 (MANE Select); coding-DNA position 3307, G replaced by A.
Protein change: p.Asp1103Asn; replaces aspartic acid 1103 with asparagine.
Molecular consequence: missense variant.
Genome position (GRCh38, 1-based): chr11:108,279,513, G>A. VCF-style: chr11-108279513-G-A. GRCh37 (hg19) VCF-style: chr11-108150240-G-A.
Other names: c.3307G>A, p.Asp1103Asn (NM_001351834.2); short protein forms D1103N.
Identifiers: ClinVar variation 524370 (VCV000524370.12), dbSNP rs1555090114, ClinGen allele CA382517376.

ClinVar aggregate classification (germline): Conflicting classifications of pathogenicity. Review status: criteria provided, conflicting classifications (1 of 4 stars). 3 submissions from 3 submitters: Uncertain significance (2); Likely benign (1). Last evaluated 2025-01-14.

Conditions:
Hereditary cancer-predisposing syndrome. Also called: Neoplastic Syndromes, Hereditary; Tumor predisposition; Hereditary Cancer Syndrome; Hereditary neoplastic syndrome. Identifiers: Orphanet 140162, MedGen C0027672, MeSH D009386, MONDO:0015356.
Ataxia-telangiectasia syndrome (AT). Also called: ATAXIA-TELANGIECTASIA, COMPLEMENTATION GROUP A; ATAXIA-TELANGIECTASIA, FRESNO VARIANT; Ataxia-telangiectasia; Ataxia-telangiectasia, complementation group D; AT, COMPLEMENTATION GROUP C; Ataxia-telangiectasia, complementation group E. Identifiers: Orphanet 100, MedGen C0004135, MONDO:0008840, OMIM 208900.

gnomAD v4.1: 1 of 1,612,496 alleles (0.000062%); highest among the groups gnomAD compares: Non-Finnish European, 0.000085%; no homozygotes.

Submissions (3):

Labcorp Genetics (formerly Invitae), Labcorp
Classification: Uncertain significance for Ataxia-telangiectasia syndrome. Last evaluated: 2025-01-14. Review status: criteria provided, single submitter. Criteria: Invitae Variant Classification Sherloc (09022015). Collection method: clinical testing. Allele origin: germline.
Comment: This sequence change replaces aspartic acid, which is acidic and polar, with asparagine, which is neutral and polar, at codon 1103 of the ATM protein (p.Asp1103Asn). This variant is not present in population databases (gnomAD no frequency). This variant has not been reported in the literature in individuals affected with ATM-related conditions. ClinVar contains an entry for this variant (Variation ID: 524370). Invitae Evidence Modeling of protein sequence and biophysical properties (such as structural, functional, and spatial information, amino acid conservation, physicochemical variation, residue mobility, and thermodynamic stability) indicates that this missense variant is not expected to disrupt ATM protein function with a negative predictive value of 95%. In summary, the available evidence is currently insufficient to determine the role of this variant in disease. Therefore, it has been classified as a Variant of Uncertain Significance.

Ambry Genetics
Classification: Likely benign for Hereditary cancer-predisposing syndrome. Last evaluated: 2024-11-19. Review status: criteria provided, single submitter. Criteria: Ambry Variant Classification Scheme 2023. Collection method: clinical testing. Allele origin: germline.

GeneDx
Classification: Uncertain significance. Last evaluated: 2023-05-26. Review status: criteria provided, single submitter. Criteria: GeneDx Variant Classification Process June 2021. Collection method: clinical testing. Allele origin: germline. Affected: yes.
Comment: Not observed at significant frequency in large population cohorts (gnomAD); In silico analysis supports that this missense variant does not alter protein structure/function; Has not been previously published as pathogenic or benign to our knowledge